The following is an entry in ClinVar:

NM_005101.4(ISG15):c.100C>G (p.Gln34Glu)

Gene: ISG15 (ISG15 ubiquitin like modifier; plus strand). Cytogenetic location: 1p36.33.
Variant type: single nucleotide variant.
Coding change: c.100C>G on transcript NM_005101.4 (MANE Select); coding-DNA position 100, C replaced by G.
Protein change: p.Gln34Glu; replaces glutamine 34 with glutamic acid.
Molecular consequence: missense variant.
Genome position (GRCh38, 1-based): chr1:1,014,080, C>G. VCF-style: chr1-1014080-C-G. GRCh37 (hg19) VCF-style: chr1-949460-C-G.
Other names: short protein forms Q34E.
Identifiers: ClinVar variation 1473644 (VCV001473644.8), dbSNP rs372601908, ClinGen allele CA507611.
Genomic context (GRCh38, chr1:1,014,080, plus strand): 5'-GAATTCCAGGTGTCCCTGAGCAGCTCCATGTCGGTGTCAGAGCTGAAGGCGCAGATCACC[C>G]AGAAGATCGGCGTGCACGCCTTCCAGCAGCGTCTGGCTGTCCACCCGAGCGGTGTGGCGC-3'
Protein context (NP_005092.1, residues 24-44): SVSELKAQIT[Gln34Glu]KIGVHAFQQR

ClinVar aggregate classification (germline): Uncertain significance (1 of 4 stars; one submission).

Conditions:
Mendelian susceptibility to mycobacterial diseases due to complete ISG15 deficiency. Also called: IMMUNODEFICIENCY 38, MYCOBACTERIOSIS, AUTOSOMAL RECESSIVE; ISG15 DEFICIENCY, AUTOSOMAL RECESSIVE; Immunodeficiency 38 with basal ganglia calcification; Immunodeficiency 38. Identifiers: Orphanet 319563, MedGen C4015293, MONDO:0014502, OMIM 616126.

Allele frequency attached by ClinVar (database versions not stated): gnomAD exomes below 0.00001; ExAC 0.00001; TOPMed 0.00001; ESP Exome Variant Server 0.00008.
gnomAD v4.1: 1 of 1,613,224 alleles (0.000062%); highest among the groups gnomAD compares: African/African-American, 0.0013%; no homozygotes.

Submission:

Labcorp Genetics (formerly Invitae), Labcorp
Classification: Uncertain significance for Mendelian susceptibility to mycobacterial diseases due to complete ISG15 deficiency. Last evaluated: 2021-05-31. Review status: criteria provided, single submitter. Criteria: Invitae Variant Classification Sherloc (09022015). Collection method: clinical testing. Allele origin: germline.
Comment: This sequence change replaces glutamine with glutamic acid at codon 34 of the ISG15 protein (p.Gln34Glu). The glutamine residue is moderately conserved and there is a small physicochemical difference between glutamine and glutamic acid. The frequency data for this variant in the population databases is considered unreliable, as metrics indicate poor data quality at this position in the ExAC database. This variant has not been reported in the literature in individuals with ISG15-related conditions. Algorithms developed to predict the effect of missense changes on protein structure and function (SIFT, PolyPhen-2, Align-GVGD) all suggest that this variant is likely to be tolerated, but these predictions have not been confirmed by published functional studies and their clinical significance is uncertain. In summary, the available evidence is currently insufficient to determine the role of this variant in disease. Therefore, it has been classified as a Variant of Uncertain Significance.